The following is an entry in ClinVar:

NM_004996.4(ABCC1):c.2661C>T (p.Ser887=)

Gene: ABCC1 (ATP binding cassette subfamily C member 1 (ABCC1 blood group); plus strand). Cytogenetic location: 16p13.11.
Variant type: single nucleotide variant.
Coding change: c.2661C>T on transcript NM_004996.4 (MANE Select); coding-DNA position 2661, C replaced by T.
Protein change: p.Ser887=; no amino-acid change (serine 887 retained).
Molecular consequence: synonymous variant.
Genome position (GRCh38, 1-based): chr16:16,102,643, C>T. VCF-style: chr16-16102643-C-T. GRCh37 (hg19) VCF-style: chr16-16196500-C-T.
Other names: c.2388C>T, p.Ser796= (NM_001438715.1); c.2250C>T, p.Ser750= (NM_001438717.1); c.2199C>T, p.Ser733= (NM_001438718.1); c.2190C>T, p.Ser730= (NM_001438719.1); c.2169C>T, p.Ser723= (NM_001438720.1); c.2661C>T, p.Ser887= (NM_001438755.1); c.2484C>T, p.Ser828= (NM_019862.3); c.2493C>T, p.Ser831= (NM_019898.3); and 3 more.
Identifiers: ClinVar variation 4872617 (VCV004872617.2).

ClinVar aggregate classification (germline): Likely benign (1 of 4 stars; one submission).

gnomAD v4.1: 160 of 1,584,926 alleles (0.01%); highest among the groups gnomAD compares: Middle Eastern, 0.017%; 1 homozygote.

Submission:

CeGaT Center for Human Genetics Tuebingen
Classification: Likely benign. Last evaluated: 2026-05-01. Review status: criteria provided, single submitter. Criteria: CeGaT Center For Human Genetics Tuebingen Variant Classification Criteria Version 2. Collection method: clinical testing. Allele origin: germline. Affected: yes. Observed: 1 variant allele.
Comment: ABCC1: BP4, BP7, BS2